The following is an entry in ClinVar:

ClinVar aggregate classification (germline): Uncertain significance (1 of 4 stars; one submission).

Submission:

CeGaT Center for Human Genetics Tuebingen
Classification: Uncertain significance. Last evaluated: 2025-09-01. Review status: criteria provided, single submitter. Criteria: CeGaT Center For Human Genetics Tuebingen Variant Classification Criteria Version 2. Collection method: clinical testing. Allele origin: germline. Affected: yes. Observed: 1 variant allele.
Comment: KMT2D: PM2, PP3

NM_003482.4(KMT2D):c.15542G>A (p.Gly5181Glu)

Gene: KMT2D (lysine methyltransferase 2D; minus strand). Cytogenetic location: 12q13.12.
Variant type: single nucleotide variant.
Coding change: c.15542G>A on transcript NM_003482.4 (MANE Select); coding-DNA position 15542, G replaced by A.
Protein change: p.Gly5181Glu; replaces glycine 5181 with glutamic acid.
Molecular consequence: missense variant.
Genome position (GRCh38, 1-based): chr12:49,026,424, C>T on the plus strand (G>A on the coding strand, the complement: KMT2D is on the minus strand). VCF-style: chr12-49026424-C-T. GRCh37 (hg19) VCF-style: chr12-49420207-C-T.
Other names: short protein forms G5181E.
Identifiers: ClinVar variation 4281392 (VCV004281392.7).